The following is an entry in ClinVar:

ClinVar aggregate classification (germline): Likely benign (0 of 4 stars; one submission).

Conditions:
IQSEC2-related disorder. Also called: IQSEC2-related condition.

gnomAD v4.1: 3 of 1,209,602 alleles (0.00025%); highest among the groups gnomAD compares: Non-Finnish European, 0.00034%; no homozygotes.

Submission:

PreventionGenetics, part of Exact Sciences
Classification: Likely benign for IQSEC2-related condition. Last evaluated: 2024-07-22. Review status: no assertion criteria provided. Collection method: clinical testing. Allele origin: germline.
Comment: This variant is classified as likely benign based on ACMG/AMP sequence variant interpretation guidelines (Richards et al. 2015 PMID: 25741868, with internal and published modifications).

NM_001111125.3(IQSEC2):c.1632G>A (p.Glu544=)

Gene: IQSEC2 (IQ motif and Sec7 domain ArfGEF 2; minus strand). Cytogenetic location: Xp11.22.
Variant type: single nucleotide variant.
Coding change: c.1632G>A on transcript NM_001111125.3 (MANE Select); coding-DNA position 1632, G replaced by A.
Protein change: p.Glu544=; no amino-acid change (glutamic acid 544 retained).
Molecular consequence: synonymous variant.
Genome position (GRCh38, 1-based): chrX:53,250,944, C>T on the plus strand (G>A on the coding strand, the complement: IQSEC2 is on the minus strand). VCF-style: chrX-53250944-C-T. GRCh37 (hg19) VCF-style: chrX-53280126-C-T.
Other names: c.1632G>A, p.Glu544= (NM_001410736.1); c.1017G>A, p.Glu339= (NM_015075.2).
Identifiers: ClinVar variation 3352337 (VCV003352337.1).